The following is an entry in ClinVar:

ClinVar aggregate classification (germline): Uncertain significance (1 of 4 stars; one submission).

Conditions:
Early-infantile DEE. Also called: Early infantile epileptic encephalopathy with suppression bursts; Early infantile epileptic encephalopathy; Ohtahara syndrome. Identifiers: Orphanet 1934, MedGen C0393706, MONDO:0800491.

gnomAD v4.1: 55 of 1,613,062 alleles (0.0034%); highest among the groups gnomAD compares: Non-Finnish European, 0.0012%; no homozygotes.

Submission:

Labcorp Genetics (formerly Invitae), Labcorp
Classification: Uncertain significance for Early-infantile DEE. Last evaluated: 2024-05-09. Review status: criteria provided, single submitter. Criteria: Invitae Variant Classification Sherloc (09022015). Collection method: clinical testing. Allele origin: germline.
Comment: This sequence change replaces valine, which is neutral and non-polar, with methionine, which is neutral and non-polar, at codon 1582 of the SCN1A protein (p.Val1582Met). This variant is present in population databases (rs779090130, gnomAD 0.04%). This variant has not been reported in the literature in individuals affected with SCN1A-related conditions. Advanced modeling of protein sequence and biophysical properties (such as structural, functional, and spatial information, amino acid conservation, physicochemical variation, residue mobility, and thermodynamic stability) performed at Invitae indicates that this missense variant is expected to disrupt SCN1A protein function with a positive predictive value of 95%. In summary, the available evidence is currently insufficient to determine the role of this variant in disease. Therefore, it has been classified as a Variant of Uncertain Significance.

NM_001165963.4(SCN1A):c.4744G>A (p.Val1582Met)

Genes: SCN1A (sodium voltage-gated channel alpha subunit 1; minus strand), LOC102724058 (uncharacterized LOC102724058; plus strand). Cytogenetic location: 2q24.3.
Variant type: single nucleotide variant.
Coding change: c.4744G>A on transcript NM_001165963.4 (MANE Select); coding-DNA position 4744, G replaced by A.
Protein change: p.Val1582Met; replaces valine 1582 with methionine.
Molecular consequence: missense variant. On other transcripts: non-coding transcript variant (1).
Genome position (GRCh38, 1-based): chr2:165,994,254, C>T on the plus strand (G>A on the coding strand, the complement: SCN1A is on the minus strand). VCF-style: chr2-165994254-C-T. GRCh37 (hg19) VCF-style: chr2-166850764-C-T.
Other names: c.4711G>A, p.Val1571Met (NM_001353951.2, NM_001353952.2, NM_001353949.2 and 2 more transcripts); c.4708G>A, p.Val1570Met (NM_001353954.2, NM_001353955.2); c.4660G>A, p.Val1554Met (NM_001353957.2, NM_001353958.2, NM_001165964.3); c.4657G>A, p.Val1553Met (NM_001353960.2); c.2302G>A, p.Val768Met (NM_001353961.2); c.4744G>A, p.Val1582Met (NM_001202435.3, NM_001353948.2); short protein forms V1570M, V1571M, V768M, V1553M, V1582M, V1554M.
Identifiers: ClinVar variation 3631394 (VCV003631394.2).